The following is an entry in ClinVar:

ClinVar aggregate classification (germline): Uncertain significance (1 of 4 stars; one submission).

Submission:

Labcorp Genetics (formerly Invitae), Labcorp
Classification: Uncertain significance. Last evaluated: 2025-11-17. Review status: criteria provided, single submitter. Criteria: Invitae Variant Classification Sherloc (09022015). Collection method: clinical testing. Allele origin: germline.
Comment: This sequence change replaces leucine, which is neutral and non-polar, with isoleucine, which is neutral and non-polar, at codon 1334 of the FOCAD protein (p.Leu1334Ile). This variant is not present in population databases (gnomAD no frequency). This variant has not been reported in the literature in individuals affected with FOCAD-related conditions. Experimental studies and prediction algorithms are not available or were not evaluated, and the functional significance of this variant is currently unknown. In summary, the available evidence is currently insufficient to determine the role of this variant in disease. Therefore, it has been classified as a Variant of Uncertain Significance.

NM_001375567.1(FOCAD):c.4000C>A (p.Leu1334Ile)

Gene: FOCAD (focadhesin; plus strand). Cytogenetic location: 9p21.3.
Variant type: single nucleotide variant.
Coding change: c.4000C>A on transcript NM_001375567.1 (MANE Select); coding-DNA position 4000, C replaced by A.
Protein change: p.Leu1334Ile; replaces leucine 1334 with isoleucine.
Molecular consequence: missense variant.
Genome position (GRCh38, 1-based): chr9:20,951,047, C>A. VCF-style: chr9-20951047-C-A. GRCh37 (hg19) VCF-style: chr9-20951046-C-A.
Other names: c.3895C>A, p.Leu1299Ile (NM_001375568.1, NM_001375570.1); c.4000C>A, p.Leu1334Ile (NM_017794.5); short protein forms L1334I, L1299I.
Identifiers: ClinVar variation 4725354 (VCV004725354.1).